The following is an entry in ClinVar:

ClinVar aggregate classification (germline): Uncertain significance. Review status: criteria provided, multiple submitters, no conflicts (2 of 4 stars). 2 submissions from 2 submitters: Uncertain significance (2). Last evaluated 2025-07-14.

Submissions (2):

Labcorp Genetics (formerly Invitae), Labcorp
Classification: Uncertain significance. Last evaluated: 2025-07-14. Review status: criteria provided, single submitter. Criteria: Invitae Variant Classification Sherloc (09022015). Collection method: clinical testing. Allele origin: germline.
Comment: This variant, c.6277_6279del, results in the deletion of 1 amino acid(s) of the SPTBN2 protein (p.Glu2093del), but otherwise preserves the integrity of the reading frame. This variant is present in population databases (rs752950222, gnomAD 0.005%). This variant has not been reported in the literature in individuals affected with SPTBN2-related conditions. Experimental studies and prediction algorithms are not available or were not evaluated, and the functional significance of this variant is currently unknown. In summary, the available evidence is currently insufficient to determine the role of this variant in disease. Therefore, it has been classified as a Variant of Uncertain Significance.

CeGaT Center for Human Genetics Tuebingen
Classification: Uncertain significance. Last evaluated: 2023-01-01. Review status: criteria provided, single submitter. Criteria: CeGaT Center For Human Genetics Tuebingen Variant Classification Criteria Version 2. Collection method: clinical testing. Allele origin: germline. Affected: yes. Observed: 1 variant allele.
Comment: SPTBN2: PM4:Supporting

NM_006946.4(SPTBN2):c.6268GAG[3] (p.Glu2093del)

Gene: SPTBN2 (spectrin beta, non-erythrocytic 2; minus strand). Cytogenetic location: 11q13.2.
Variant type: Microsatellite.
Coding change: c.6268GAG[3] on transcript NM_006946.4 (MANE Select); three copies in a row of the 3-base unit GAG starting at c.6268; the reference has four copies in a row; one copy, 3 bases deleted.
Protein change: p.Glu2093del; deletes glutamic acid 2093.
Molecular consequence: inframe deletion.
Genome position (GRCh38, 1-based): chr11:66,688,264-66,688,266, CTC deleted on the plus strand (GAG on the coding strand, the reverse complement: SPTBN2 is on the minus strand); deleting any 3 consecutive bases within chr11:66,688,264-66,688,276 gives the same sequence; the position shown is the placement nearest the transcript's 3' end. VCF-style (leftmost placement, unchanged base first): chr11-66688263-GCTC-G. GRCh37 (hg19) VCF-style: chr11-66455734-GCTC-G.
Other names: short protein forms E2093del.
Identifiers: ClinVar variation 1449565 (VCV001449565.33), dbSNP rs752950222, ClinGen allele CA6127992.